The following is an entry in ClinVar:

NM_000443.4(ABCB4):c.1784G>A (p.Arg595Gln)

Gene: ABCB4 (ATP binding cassette subfamily B member 4; minus strand). Cytogenetic location: 7q21.12.
Variant type: single nucleotide variant.
Coding change: c.1784G>A on transcript NM_000443.4 (MANE Select); coding-DNA position 1784, G replaced by A.
Protein change: p.Arg595Gln; replaces arginine 595 with glutamine.
Molecular consequence: missense variant.
Genome position (GRCh38, 1-based): chr7:87,431,513, C>T on the plus strand (G>A on the coding strand, the complement: ABCB4 is on the minus strand). VCF-style: chr7-87431513-C-T. GRCh37 (hg19) VCF-style: chr7-87060829-C-T.
Other names: c.1784G>A, p.Arg595Gln (NM_018849.3, NM_018850.3); short protein forms R595Q.
Identifiers: ClinVar variation 360801 (VCV000360801.13), dbSNP rs144398632, ClinGen allele CA4327205.

ClinVar aggregate classification (germline): Uncertain significance. Review status: criteria provided, multiple submitters, no conflicts (2 of 4 stars). 7 submissions from 6 submitters: Uncertain significance (7). Last evaluated 2026-08-21.

Conditions:
ABCB4-related disorder. Also called: ABCB4-related disorders; ABCB4-related condition.
Cholestasis, intrahepatic, of pregnancy, 3. Identifiers: Orphanet 69665, MedGen C3554241, MONDO:0013995, OMIM 614972.
Progressive familial intrahepatic cholestasis type 3. Also called: Low Gamma-GT Familial Intrahepatic Cholestasis; MDR3 DEFICIENCY. Identifiers: Orphanet 79305, MedGen C1865643, MONDO:0011214, OMIM 602347.

Allele frequency attached by ClinVar (database versions not stated): gnomAD exomes 0.00003; ExAC 0.00004; TOPMed 0.00013; ESP Exome Variant Server 0.00015; gnomAD 0.00015 and 0.00018.
gnomAD v4.1: 89 of 1,614,002 alleles (0.0055%); highest among the groups gnomAD compares: African/African-American, 0.053%; no homozygotes.

Submissions (7):

PreventionGenetics, part of Exact Sciences
Classification: Uncertain significance for ABCB4-related condition. Last evaluated: 2026-08-21. Review status: criteria provided, single submitter. Criteria: ACMG Guidelines, 2015. Collection method: clinical testing. Allele origin: germline.
Comment: The ABCB4 c.1784G>A variant is predicted to result in the amino acid substitution p.Arg595Gln. To our knowledge, this variant has not been reported in the literature. This variant is reported in 0.032% of alleles in individuals of African descent in gnomAD. At this time, the clinical significance of this variant is uncertain due to the absence of conclusive functional and genetic evidence.

Labcorp Genetics (formerly Invitae), Labcorp
Classification: Uncertain significance. Last evaluated: 2026-01-08. Review status: criteria provided, single submitter. Criteria: Invitae Variant Classification Sherloc (09022015). Collection method: clinical testing. Allele origin: germline.
Comment: This sequence change replaces arginine, which is basic and polar, with glutamine, which is neutral and polar, at codon 595 of the ABCB4 protein (p.Arg595Gln). This variant is present in population databases (rs144398632, gnomAD 0.03%). This variant has not been reported in the literature in individuals affected with ABCB4-related conditions. ClinVar contains an entry for this variant (Variation ID: 360801). Invitae Evidence Modeling of protein sequence and biophysical properties (such as structural, functional, and spatial information, amino acid conservation, physicochemical variation, residue mobility, and thermodynamic stability) indicates that this missense variant is not expected to disrupt ABCB4 protein function with a negative predictive value of 80%. In summary, the available evidence is currently insufficient to determine the role of this variant in disease. Therefore, it has been classified as a Variant of Uncertain Significance.

Blueprint Genetics
Classification: Uncertain significance. Last evaluated: 2024-08-22. Review status: criteria provided, single submitter. Criteria: ACMG Guidelines, 2015. Collection method: clinical testing. Allele origin: germline.

Eurofins Ntd Llc (ga)
Classification: Uncertain significance. Last evaluated: 2018-05-11. Review status: criteria provided, single submitter. Criteria: EGL ClinVar v180209 classification definitions. Collection method: clinical testing. Allele origin: germline. Observed: 5 variant alleles, 5 heterozygotes.

Illumina Laboratory Services, Illumina
Classification: Uncertain significance for Progressive familial intrahepatic cholestasis type 3. Last evaluated: 2018-01-13. Review status: criteria provided, single submitter. Criteria: ICSL Variant Classification Criteria 13 December 2019. Collection method: clinical testing. Allele origin: germline.

Illumina Laboratory Services, Illumina
Classification: Uncertain significance for Cholestasis, intrahepatic, of pregnancy, 3. Last evaluated: 2018-01-13. Review status: criteria provided, single submitter. Criteria: ICSL Variant Classification Criteria 13 December 2019. Collection method: clinical testing. Allele origin: germline.

Neuberg Centre For Genomic Medicine, NCGM
Classification: Uncertain significance for Progressive familial intrahepatic cholestasis type 3. Review status: criteria provided, single submitter. Criteria: ACMG Guidelines, 2015. Collection method: clinical testing. Allele origin: germline. Inheritance: Autosomal recessive inheritance. Affected: yes.
Comment: The c.1784G>A(p.Arg595Gln) missense variant in ABCB4 gene has been submitted to ClinVar as a Variant of Uncertain Significance, but no details are available for independent assessment. It has not been reported in affected individuals. This variant is reported with the allele frequency (0.003%) in the gnomad and novel in 1000 genome database. The amino acid Arg at position 595 is changed to a Gln changing protein sequence and it might alter its composition and physico-chemical properties. The amino acid change p.Arg595Gln in ABCB4 is predicted as conserved by GERP++ and PhyloP across 100 vertebrates. For these reasons, this variant has been classified as Variant of Uncertain Significance (VUS).